The following is an entry in ClinVar:

ClinVar aggregate classification (germline): Uncertain significance (1 of 4 stars; one submission).

gnomAD v4.1: 2 of 1,614,032 alleles (0.00012%); highest among the groups gnomAD compares: East Asian, 0.0022%; no homozygotes.

Submission:

GeneDx
Classification: Uncertain significance. Last evaluated: 2025-05-09. Review status: criteria provided, single submitter. Criteria: GeneDx Variant Classification Process June 2021. Collection method: clinical testing. Allele origin: germline. Affected: yes.
Comment: Not observed at significant frequency in large population cohorts (gnomAD); In silico analysis supports that this missense variant has a deleterious effect on protein structure/function; Has not been previously published as pathogenic or benign to our knowledge

NM_017946.4(FKBP14):c.296A>G (p.Glu99Gly)

Genes: FKBP14 (FKBP prolyl isomerase 14; minus strand), FKBP14-AS1 (FKBP14 antisense RNA 1; plus strand). Cytogenetic location: 7p14.3.
Variant type: single nucleotide variant.
Coding change: c.296A>G on transcript NM_017946.4 (MANE Select); coding-DNA position 296, A replaced by G.
Protein change: p.Glu99Gly; replaces glutamic acid 99 with glycine.
Molecular consequence: missense variant. On other transcripts: non-coding transcript variant (1).
Genome position (GRCh38, 1-based): chr7:30,022,718, T>C on the plus strand (A>G on the coding strand, the complement: FKBP14 is on the minus strand). VCF-style: chr7-30022718-T-C. GRCh37 (hg19) VCF-style: chr7-30062334-T-C.
Other names: short protein forms E99G.
Identifiers: ClinVar variation 4528080 (VCV004528080.1).
Genomic context (GRCh38, chr7:30,022,718, plus strand): 5'-CTATTACCTTTTCCTTCTTTTCCATAGCCCAGAGCAGGAGGAATGATGAGCTTTCTCTTC[T>C]CTCCTACACACATTCCTTTCAAGCCCTGGTCCCAACCTTTGAGAGCCTCCAGGATGCCCA-3'
Protein context (NP_060416.1, residues 89-109): DQGLKGMCVG[Glu99Gly]KRKLIIPPAL